The following is an entry in ClinVar:

NM_001287.6(CLCN7):c.1801C>A (p.Leu601Met)

Gene: CLCN7 (chloride voltage-gated channel 7; minus strand). Cytogenetic location: 16p13.3.
Variant type: single nucleotide variant.
Coding change: c.1801C>A on transcript NM_001287.6 (MANE Select); coding-DNA position 1801, C replaced by A.
Protein change: p.Leu601Met; replaces leucine 601 with methionine.
Molecular consequence: missense variant.
Genome position (GRCh38, 1-based): chr16:1,448,763, G>T on the plus strand (C>A on the coding strand, the complement: CLCN7 is on the minus strand). VCF-style: chr16-1448763-G-T. GRCh37 (hg19) VCF-style: chr16-1498764-G-T.
Other names: c.1729C>A, p.Leu577Met (NM_001114331.3); short protein forms L601M, L577M.
Identifiers: ClinVar variation 2752130 (VCV002752130.3), dbSNP rs2142367982, ClinGen allele CA394186437.
Genomic context (GRCh38, chr16:1,448,763, plus strand): 5'-TGACCGGGGCCTCCCAGTGCAGGAAGGGCACACTCTGCAGCTGAATGTGCATGTCGTACA[G>T]GCCCTGCGGGCGGGGCGGGAACACAGGGCTTGAGGAGTCCACACCCACCCCTGGAGCCCC-3'
Protein context (NP_001278.1, residues 591-611): KIVGDVFIEG[Leu601Met]YDMHIQLQSV

ClinVar aggregate classification (germline): Uncertain significance (1 of 4 stars; one submission).

Submission:

Labcorp Genetics (formerly Invitae), Labcorp
Classification: Uncertain significance. Last evaluated: 2024-08-28. Review status: criteria provided, single submitter. Criteria: Invitae Variant Classification Sherloc (09022015). Collection method: clinical testing. Allele origin: germline.
Comment: This sequence change replaces leucine, which is neutral and non-polar, with methionine, which is neutral and non-polar, at codon 601 of the CLCN7 protein (p.Leu601Met). This variant is not present in population databases (gnomAD no frequency). This variant has not been reported in the literature in individuals affected with CLCN7-related conditions. Invitae Evidence Modeling of protein sequence and biophysical properties (such as structural, functional, and spatial information, amino acid conservation, physicochemical variation, residue mobility, and thermodynamic stability) indicates that this missense variant is not expected to disrupt CLCN7 protein function with a negative predictive value of 95%. In summary, the available evidence is currently insufficient to determine the role of this variant in disease. Therefore, it has been classified as a Variant of Uncertain Significance.